The following is an entry in ClinVar:

NM_022552.5(DNMT3A):c.2479-10C>T

Gene: DNMT3A (DNA methyltransferase 3 alpha; minus strand). Cytogenetic location: 2p23.3.
Variant type: single nucleotide variant.
Coding change: c.2479-10C>T on transcript NM_022552.5 (MANE Select); 10 bases into the intron before coding-DNA position 2479, C replaced by T.
Molecular consequence: intron variant.
Genome position (GRCh38, 1-based): chr2:25,235,835, G>A on the plus strand (C>T on the coding strand, the complement: DNMT3A is on the minus strand). VCF-style: chr2-25235835-G-A. GRCh37 (hg19) VCF-style: chr2-25458704-G-A.
Other names: c.2479-10C>T (NM_175629.2); c.1912-10C>T (NM_153759.3); c.2023-10C>T (NM_001320893.1); c.1810-10C>T (NM_001375819.1).
Identifiers: ClinVar variation 3036347 (VCV003036347.4), dbSNP rs1333028940, ClinGen allele CA425181056.
Genomic context (GRCh38, chr2:25,235,835, plus strand): 5'-GCCCTGCTTTATGGAGTTTGACCTCGTAGTAATGGTCCTCACTTTGCTGAACTAGATGAA[G>A]AGGAGAAAAGAGGAATAAGCACGAATTCATTCACCAGCCAACACTGGTCATGCGTCTACC-3'

ClinVar aggregate classification (germline): Likely benign. Review status: criteria provided, single submitter (1 of 4 stars). 2 submissions from 2 submitters: Likely benign (1). 1 of the submissions does not count toward it. Last evaluated 2024-06-26.

Conditions:
DNMT3A-related disorder. Also called: DNMT3A-related disorders; DNMT3A-related condition.
Tatton-Brown-Rahman overgrowth syndrome. Also called: Tatton-Brown-Rahman syndrome; Tall stature-intellectual disability-facial dysmorphism syndrome. Identifiers: Orphanet 404443, MedGen C4014545, MONDO:0014382, OMIM 615879.

Allele frequency attached by ClinVar (database versions not stated): gnomAD exomes below 0.00001; gnomAD 0.00002.
gnomAD v4.1: 5 of 1,604,750 alleles (0.00031%); highest among the groups gnomAD compares: African/African-American, 0.004%; no homozygotes.

Submissions (2):

Labcorp Genetics (formerly Invitae), Labcorp
Classification: Likely benign for Tatton-Brown-Rahman overgrowth syndrome. Last evaluated: 2024-06-26. Review status: criteria provided, single submitter. Criteria: Invitae Variant Classification Sherloc (09022015). Collection method: clinical testing. Allele origin: germline.

PreventionGenetics, part of Exact Sciences
Classification: Likely benign for DNMT3A-related condition. Last evaluated: 2020-07-25. Review status: no assertion criteria provided. Collection method: clinical testing. Allele origin: germline. Not counted in ClinVar's aggregate classification.
Comment: This variant is classified as likely benign based on ACMG/AMP sequence variant interpretation guidelines (Richards et al. 2015 PMID: 25741868, with internal and published modifications).